The following is an entry in ClinVar:

NM_004136.4(IREB2):c.2774A>C (p.Asn925Thr)

Gene: IREB2 (iron responsive element binding protein 2; plus strand). Cytogenetic location: 15q25.1.
Variant type: single nucleotide variant.
Coding change: c.2774A>C on transcript NM_004136.4 (MANE Select); coding-DNA position 2774, A replaced by C.
Protein change: p.Asn925Thr; replaces asparagine 925 with threonine.
Molecular consequence: missense variant.
Genome position (GRCh38, 1-based): chr15:78,497,304, A>C. VCF-style: chr15-78497304-A-C. GRCh37 (hg19) VCF-style: chr15-78789646-A-C.
Other names: c.2774A>C (NM_004136.2); c.2024A>C, p.Asn675Thr (NM_001320941.2); c.2603A>C, p.Asn868Thr (NM_001320942.2, NM_001354994.2); short protein forms N675T, N868T, N925T.
Identifiers: ClinVar variation 1960096 (VCV001960096.6), dbSNP rs765574473, ClinGen allele CA7683319.

ClinVar aggregate classification (germline): Uncertain significance. Review status: criteria provided, multiple submitters, no conflicts (2 of 4 stars). 2 submissions from 2 submitters: Uncertain significance (2). Last evaluated 2025-11-25.

Conditions:
Inborn genetic diseases. Identifiers: MedGen C0950123, MeSH D030342.

Allele frequency attached by ClinVar (database versions not stated): TOPMed below 0.00001; gnomAD 0.00001; ExAC 0.00002; gnomAD exomes 0.00003.
gnomAD v4.1: 41 of 1,607,328 alleles (0.0026%); highest among the groups gnomAD compares: Non-Finnish European, 0.0027%; no homozygotes.

Submissions (2):

Ambry Genetics
Classification: Uncertain significance for Inborn genetic diseases. Last evaluated: 2025-11-25. Review status: criteria provided, single submitter. Criteria: Ambry Variant Classification Scheme 2023. Collection method: clinical testing. Allele origin: germline.

Labcorp Genetics (formerly Invitae), Labcorp
Classification: Uncertain significance. Last evaluated: 2022-08-17. Review status: criteria provided, single submitter. Criteria: Invitae Variant Classification Sherloc (09022015). Collection method: clinical testing. Allele origin: germline.
Comment: In summary, the available evidence is currently insufficient to determine the role of this variant in disease. Therefore, it has been classified as a Variant of Uncertain Significance. Algorithms developed to predict the effect of missense changes on protein structure and function output the following: SIFT: "Not Available"; PolyPhen-2: "Benign"; Align-GVGD: "Not Available". The threonine amino acid residue is found in multiple mammalian species, which suggests that this missense change does not adversely affect protein function. This variant has not been reported in the literature in individuals affected with IREB2-related conditions. This variant is present in population databases (rs765574473, gnomAD 0.01%). This sequence change replaces asparagine, which is neutral and polar, with threonine, which is neutral and polar, at codon 925 of the IREB2 protein (p.Asn925Thr).